The following is an entry in ClinVar:

NM_001377.3(DYNC2H1):c.2818+1G>C

Gene: DYNC2H1 (dynein cytoplasmic 2 heavy chain 1; plus strand). Cytogenetic location: 11q22.3.
Variant type: single nucleotide variant.
Coding change: c.2818+1G>C on transcript NM_001377.3 (MANE Select); the canonical splice donor site of the intron after coding-DNA position 2818, G replaced by C.
Molecular consequence: splice donor variant.
Genome position (GRCh38, 1-based): chr11:103,147,888, G>C. VCF-style: chr11-103147888-G-C. GRCh37 (hg19) VCF-style: chr11-103018617-G-C.
Other names: c.2818+1G>C (NM_001080463.2).
Identifiers: ClinVar variation 1426527 (VCV001426527.8), dbSNP rs1591316134, ClinGen allele CA382266243.

ClinVar aggregate classification (germline): Pathogenic/Likely pathogenic. Review status: criteria provided, multiple submitters, no conflicts (2 of 4 stars). 2 submissions from 2 submitters: Pathogenic (1); Likely pathogenic (1). Last evaluated 2024-06-22.

Conditions:
Jeune thoracic dystrophy. Also called: Jeune syndrome; Short-rib thoracic dysplasia; Infantile thoracic dystrophy; Thoracic pelvic phalangeal dystrophy; Jeune's syndrome; Chondroectodermal dysplasia-like syndrome. Identifiers: Orphanet 474, MedGen C0265275, MONDO:0018770.
Asphyxiating thoracic dystrophy 3. Also called: POLYDACTYLY WITH NEONATAL CHONDRODYSTROPHY, TYPE I; Short rib polydactyly syndrome 2B; SHORT-RIB THORACIC DYSPLASIA 3 WITH OR WITHOUT POLYDACTYLY; SHORT-RIB THORACIC DYSPLASIA 3/6 WITH POLYDACTYLY, DIGENIC; Saldino-Noonan Syndrome. Identifiers: Orphanet 474, Orphanet 93269, Orphanet 93270, Orphanet 93271, MedGen C0036069, MONDO:0013127, OMIM 613091.

gnomAD v4.1: 1 of 1,569,640 alleles (0.000064%); highest among the groups gnomAD compares: East Asian, 0.0023%; no homozygotes.

Submissions (2):

Fulgent Genetics
Classification: Likely pathogenic for Asphyxiating thoracic dystrophy 3. Last evaluated: 2024-06-22. Review status: criteria provided, single submitter. Criteria: ACMG Guidelines, 2015. Collection method: clinical testing. Allele origin: germline.

Labcorp Genetics (formerly Invitae), Labcorp
Classification: Pathogenic for Jeune thoracic dystrophy. Last evaluated: 2021-09-23. Review status: criteria provided, single submitter. Criteria: Invitae Variant Classification Sherloc (09022015). Collection method: clinical testing. Allele origin: germline.
Comment: Algorithms developed to predict the effect of sequence changes on RNA splicing suggest that this variant may disrupt the consensus splice site. Disruption of this splice site has been observed in individual(s) with clinical features of short-rib thoracic dysplasia with or without polydactyly (Invitae). In at least one individual the data is consistent with the variant being in trans (on the opposite chromosome) from a pathogenic variant. This variant is not present in population databases (ExAC no frequency). This sequence change affects a donor splice site in intron 19 of the DYNC2H1 gene. It is expected to disrupt RNA splicing. Variants that disrupt the donor or acceptor splice site typically lead to a loss of protein function (PMID: 16199547), and loss-of-function variants in DYNC2H1 are known to be pathogenic (PMID: 23339108, 32753734). For these reasons, this variant has been classified as Pathogenic.

Literature cited by the submitters: PubMed 16199547 (cited by Labcorp Genetics (formerly Invitae), Labcorp); PubMed 23339108 (cited by Labcorp Genetics (formerly Invitae), Labcorp); PubMed 32753734 (cited by Labcorp Genetics (formerly Invitae), Labcorp).